The following is an entry in ClinVar:

ClinVar aggregate classification (germline): Uncertain significance (1 of 4 stars; one submission).

Conditions:
Mitochondrial complex II deficiency, nuclear type 1. Also called: SUCCINATE CoQ REDUCTASE DEFICIENCY. Identifiers: Orphanet 3208, MedGen C5700310, MONDO:0100294, OMIM 252011.
Pheochromocytoma/paraganglioma syndrome 5. Also called: Paragangliomas 5; SDHA-Related Hereditary Paraganglioma-Pheochromocytoma Syndrome. Identifiers: Orphanet 29072, MedGen C3279992, MONDO:0013602, OMIM 614165.

Submission:

Labcorp Genetics (formerly Invitae), Labcorp
Classification: Uncertain significance for Pheochromocytoma/paraganglioma syndrome 5; Mitochondrial complex II deficiency, nuclear type 1. Last evaluated: 2025-01-26. Review status: criteria provided, single submitter. Criteria: Invitae Variant Classification Sherloc (09022015). Collection method: clinical testing. Allele origin: germline.
Comment: This sequence change replaces lysine, which is basic and polar, with arginine, which is basic and polar, at codon 586 of the SDHA protein (p.Lys586Arg). This variant is not present in population databases (gnomAD no frequency). This variant has not been reported in the literature in individuals affected with SDHA-related conditions. Invitae Evidence Modeling of protein sequence and biophysical properties (such as structural, functional, and spatial information, amino acid conservation, physicochemical variation, residue mobility, and thermodynamic stability) indicates that this missense variant is not expected to disrupt SDHA protein function with a negative predictive value of 95%. In summary, the available evidence is currently insufficient to determine the role of this variant in disease. Therefore, it has been classified as a Variant of Uncertain Significance.

NM_004168.4(SDHA):c.1757A>G (p.Lys586Arg)

Gene: SDHA (succinate dehydrogenase complex flavoprotein subunit A; plus strand). Cytogenetic location: 5p15.33.
Variant type: single nucleotide variant.
Coding change: c.1757A>G on transcript NM_004168.4 (MANE Select); coding-DNA position 1757, A replaced by G.
Protein change: p.Lys586Arg; replaces lysine 586 with arginine.
Molecular consequence: missense variant. On other transcripts: intron variant (1).
Genome position (GRCh38, 1-based): chr5:251,431, A>G. VCF-style: chr5-251431-A-G. GRCh37 (hg19) VCF-style: chr5-251546-A-G.
Other names: c.1613A>G, p.Lys538Arg (NM_001294332.2); c.1552-2962A>G (NM_001330758.2); short protein forms K538R, K586R.
Identifiers: ClinVar variation 3750348 (VCV003750348.2).
Genomic context (GRCh38, chr5:251,431, plus strand): 5'-TGGAGCTGCAGAACCTGATGCTGTGTGCGCTGCAGACCATCTACGGAGCAGAGGCACGGA[A>G]GGAGTCACGGGGCGCGCATGCCAGGGAAGACTACAAGGTGGGCCTTCTCACCACGCCCAC-3'
Protein context (NP_004159.2, residues 576-596): LQTIYGAEAR[Lys586Arg]ESRGAHARED